The following is an entry in ClinVar:

ClinVar aggregate classification (germline): Uncertain significance (1 of 4 stars; one submission).

Conditions:
Inborn genetic diseases. Identifiers: MedGen C0950123, MeSH D030342.

Submission:

Ambry Genetics
Classification: Uncertain significance for Inborn genetic diseases. Last evaluated: 2026-01-18. Review status: criteria provided, single submitter. Criteria: Ambry Variant Classification Scheme 2023. Collection method: clinical testing. Allele origin: germline.
Comment: The p.Y618H variant (also known as c.1852T>C), located in coding exon 13 of the ERCC6L2 gene, results from a T to C substitution at nucleotide position 1852. The tyrosine at codon 618 is replaced by histidine, an amino acid with similar properties. This amino acid position is conserved. In addition, this alteration is predicted to be deleterious by in silico analysis. Based on the available evidence, the clinical significance of this variant remains unclear.

NM_020207.7(ERCC6L2):c.1852T>C (p.Tyr618His)

Gene: ERCC6L2 (ERCC excision repair 6 like 2; plus strand). Cytogenetic location: 9q22.32.
Variant type: single nucleotide variant.
Coding change: c.1852T>C on transcript NM_020207.7 (MANE Select); coding-DNA position 1852, T replaced by C.
Protein change: p.Tyr618His; replaces tyrosine 618 with histidine.
Molecular consequence: missense variant. On other transcripts: non-coding transcript variant (1).
Genome position (GRCh38, 1-based): chr9:95,955,918, T>C. VCF-style: chr9-95955918-T-C. GRCh37 (hg19) VCF-style: chr9-98718200-T-C.
Other names: c.1852T>C, p.Tyr618His (NM_001010895.4, NM_001375291.1, NM_001375292.1 and 2 more transcripts); short protein forms Y618H.
Identifiers: ClinVar variation 4825639 (VCV004825639.1).